The following is an entry in ClinVar:

ClinVar aggregate classification (germline): Benign/Likely benign. Review status: criteria provided, multiple submitters, no conflicts (2 of 4 stars). 5 submissions from 5 submitters: Benign (1); Likely benign (4). Last evaluated 2025-07-14.

Conditions:
Tuberous sclerosis syndrome (TSC). Also called: Tuberous sclerosis; Tuberous Sclerosis Complex. Identifiers: Orphanet 805, MedGen C0041341, MONDO:0001734.
Hereditary cancer-predisposing syndrome. Also called: Neoplastic Syndromes, Hereditary; Hereditary neoplastic syndrome; Tumor predisposition; Hereditary Cancer Syndrome. Identifiers: Orphanet 140162, MedGen C0027672, MeSH D009386, MONDO:0015356.
Tuberous sclerosis 2 (TSC2). Identifiers: Orphanet 805, MedGen C1860707, MONDO:0013199, OMIM 613254.

Allele frequency attached by ClinVar (database versions not stated): gnomAD exomes 0.00001; TOPMed 0.00001; ExAC 0.00002.
gnomAD v4.1: 6 of 1,614,122 alleles (0.00037%); highest among the groups gnomAD compares: Non-Finnish European, 0.00051%; no homozygotes.

Submissions (5):

Color Diagnostics, LLC DBA Color Health
Classification: Likely benign for Tuberous sclerosis syndrome. Last evaluated: 2025-07-14. Review status: criteria provided, single submitter. Criteria: ACMG Guidelines, 2015. Collection method: clinical testing. Allele origin: germline.

Myriad Genetics, Inc.
Classification: Benign for Tuberous sclerosis 2. Last evaluated: 2025-05-05. Review status: criteria provided, single submitter. Criteria: Myriad Autosomal Dominant, Autosomal Recessive and X-Linked Classification Criteria (2023). Collection method: clinical testing. Allele origin: unknown.
Comment: This variant is considered benign. This variant is a silent/synonymous amino acid change and it is not expected to impact splicing.

Ambry Genetics
Classification: Likely benign for Hereditary cancer-predisposing syndrome. Last evaluated: 2024-04-04. Review status: criteria provided, single submitter. Criteria: Ambry Variant Classification Scheme 2023. Collection method: clinical testing. Allele origin: germline.

Labcorp Genetics (formerly Invitae), Labcorp
Classification: Likely benign for Tuberous sclerosis 2. Last evaluated: 2021-12-02. Review status: criteria provided, single submitter. Criteria: Invitae Variant Classification Sherloc (09022015). Collection method: clinical testing. Allele origin: germline.

GeneDx
Classification: Likely benign. Last evaluated: 2016-07-28. Review status: criteria provided, single submitter. Criteria: GeneDx Variant Classification (06012015). Collection method: clinical testing. Allele origin: germline. Affected: yes.
Comment: This variant is considered likely benign or benign based on one or more of the following criteria: it is a conservative change, it occurs at a poorly conserved position in the protein, it is predicted to be benign by multiple in silico algorithms, and/or has population frequency not consistent with disease.

NM_000548.5(TSC2):c.429C>T (p.Phe143=)

Gene: TSC2 (TSC complex subunit 2; plus strand). Cytogenetic location: 16p13.3.
Variant type: single nucleotide variant.
Coding change: c.429C>T on transcript NM_000548.5 (MANE Select); coding-DNA position 429, C replaced by T.
Protein change: p.Phe143=; no amino-acid change (phenylalanine 143 retained).
Molecular consequence: synonymous variant. On other transcripts: intron variant (1).
Genome position (GRCh38, 1-based): chr16:2,054,388, C>T. VCF-style: chr16-2054388-C-T. GRCh37 (hg19) VCF-style: chr16-2104389-C-T.
Other names: c.429C>T, p.Phe143= (NM_001077183.3, NM_001114382.3, NM_001363528.2 and 3 more transcripts); c.318C>T, p.Phe106= (NM_001318827.2); c.282C>T, p.Phe94= (NM_001318829.2); c.462C>T, p.Phe154= (NM_001318832.2); c.-1-1808C>T (NM_001318831.2).
Identifiers: ClinVar variation 388146 (VCV000388146.11), dbSNP rs137854406, ClinGen allele CA050814.